The following is an entry in ClinVar:

ClinVar aggregate classification (germline): Pathogenic (1 of 4 stars; one submission).

Conditions:
Immunodeficiency, common variable, 7. Identifiers: Orphanet 1572, Orphanet 696894, MedGen C3542922, MONDO:0013862, OMIM 614699.

Allele frequency attached by ClinVar (database versions not stated): gnomAD exomes below 0.00001; gnomAD 0.00001.
gnomAD v4.1: 2 of 1,613,638 alleles (0.00012%); highest among the groups gnomAD compares: Non-Finnish European, 0.00017%; no homozygotes.

Submission:

Labcorp Genetics (formerly Invitae), Labcorp
Classification: Pathogenic for Immunodeficiency, common variable, 7. Last evaluated: 2022-03-13. Review status: criteria provided, single submitter. Criteria: Invitae Variant Classification Sherloc (09022015). Collection method: clinical testing. Allele origin: germline.
Comment: This variant has not been reported in the literature in individuals affected with CR2-related conditions. This variant is present in population databases (no rsID available, gnomAD 0.007%). This sequence change creates a premature translational stop signal (p.Gln411*) in the CR2 gene. It is expected to result in an absent or disrupted protein product. Loss-of-function variants in CR2 are known to be pathogenic (PMID: 26325596, 28499783). For these reasons, this variant has been classified as Pathogenic. Algorithms developed to predict the effect of sequence changes on RNA splicing suggest that this variant may disrupt the consensus splice site.

Literature cited by the submitters: PubMed 26325596; PubMed 28499783.

NM_001006658.3(CR2):c.1231C>T (p.Gln411Ter)

Gene: CR2 (complement C3d receptor 2; plus strand). Cytogenetic location: 1q32.2.
Variant type: single nucleotide variant.
Coding change: c.1231C>T on transcript NM_001006658.3 (MANE Select); coding-DNA position 1231, C replaced by T.
Protein change: p.Gln411Ter; replaces glutamine 411 with a stop codon.
Molecular consequence: nonsense.
Genome position (GRCh38, 1-based): chr1:207,470,745, C>T. VCF-style: chr1-207470745-C-T. GRCh37 (hg19) VCF-style: chr1-207644090-C-T.
Other names: c.1231C>T, p.Gln411Ter (NM_001877.5); short protein forms Q411*.
Identifiers: ClinVar variation 2041808 (VCV002041808.4), dbSNP rs1265812765, ClinGen allele CA344529953.
Genomic context (GRCh38, chr1:207,470,745, plus strand): 5'-CTTTCTGTGGTTGTTTACTTAAGCAGTTATGTTTTGTTTTTGTCCTTTCATTTAGAATGC[C>T]AGGCCCCTCCTAACATCCTCAATGGGCAAAAGGAAGATAGACACATGGTCCGCTTTGACC-3'